The following is an entry in ClinVar:

ClinVar aggregate classification (germline): Uncertain significance. Review status: criteria provided, multiple submitters, no conflicts (2 of 4 stars). 3 submissions from 3 submitters: Uncertain significance (3). Last evaluated 2025-10-18.

Conditions:
Inborn genetic diseases. Identifiers: MedGen C0950123, MeSH D030342.
Fanconi anemia (FA). Also called: Fanconi's anemia. Identifiers: Orphanet 84, MedGen C0015625, MeSH D005199, MONDO:0019391.
Fanconi anemia complementation group B (FANCB). Also called: FANCB-Related Fanconi Anemia; FANCONI PANCYTOPENIA, TYPE 2. Identifiers: Orphanet 84, MedGen C1845292, MONDO:0010351, OMIM 300514.

Allele frequency attached by ClinVar (database versions not stated): gnomAD exomes below 0.00001 and 0.00001; ExAC 0.00001; gnomAD 0.00001; TOPMed 0.00001.
gnomAD v4.1: 2 of 1,207,206 alleles (0.00017%); highest among the groups gnomAD compares: Admixed American, 0.0044%; no homozygotes.

Submissions (3):

Ambry Genetics
Classification: Uncertain significance for Inborn genetic diseases. Last evaluated: 2025-10-18. Review status: criteria provided, single submitter. Criteria: Ambry Variant Classification Scheme 2023. Collection method: clinical testing. Allele origin: germline.

Fulgent Genetics
Classification: Uncertain significance for Fanconi anemia complementation group B. Last evaluated: 2024-06-03. Review status: criteria provided, single submitter. Criteria: ACMG Guidelines, 2015. Collection method: clinical testing. Allele origin: germline.

Labcorp Genetics (formerly Invitae), Labcorp
Classification: Uncertain significance for Fanconi anemia. Last evaluated: 2021-03-26. Review status: criteria provided, single submitter. Criteria: Invitae Variant Classification Sherloc (09022015). Collection method: clinical testing. Allele origin: germline.
Comment: In summary, the available evidence is currently insufficient to determine the role of this variant in disease. Therefore, it has been classified as a Variant of Uncertain Significance. Algorithms developed to predict the effect of missense changes on protein structure and function output the following: SIFT: "Tolerated"; PolyPhen-2: "Benign"; Align-GVGD: "Class C0". The glutamic acid amino acid residue is found in multiple mammalian species, suggesting that this missense change does not adversely affect protein function. These predictions have not been confirmed by published functional studies and their clinical significance is uncertain. This variant has not been reported in the literature in individuals with FANCB-related conditions. This variant is present in population databases (rs767721906, ExAC 0.01%). This sequence change replaces lysine with glutamic acid at codon 765 of the FANCB protein (p.Lys765Glu). The lysine residue is moderately conserved and there is a small physicochemical difference between lysine and glutamic acid.

NM_001018113.3(FANCB):c.2293A>G (p.Lys765Glu)

Gene: FANCB (FA complementation group B; minus strand). Cytogenetic location: Xp22.2.
Variant type: single nucleotide variant.
Coding change: c.2293A>G on transcript NM_001018113.3 (MANE Select); coding-DNA position 2293, A replaced by G.
Protein change: p.Lys765Glu; replaces lysine 765 with glutamic acid.
Molecular consequence: missense variant.
Genome position (GRCh38, 1-based): chrX:14,843,854, T>C on the plus strand (A>G on the coding strand, the complement: FANCB is on the minus strand). VCF-style: chrX-14843854-T-C. GRCh37 (hg19) VCF-style: chrX-14861976-T-C.
Other names: c.2293A>G, p.Lys765Glu (NM_001324162.2, NM_152633.4); c.2293A>G (NM_001018113.1); short protein forms K765E.
Identifiers: ClinVar variation 1036358 (VCV001036358.10), dbSNP rs767721906, ClinGen allele CA10352930.
Genomic context (GRCh38, chrX:14,843,854, plus strand): 5'-TAAAATTGCTTTCATGTTTAGCTATGGCAGAAGAAAGAGAACTAAGGGTGACTAGTTCCT[T>C]CTCCAAAGTAAATGCCATATTATCAATTAGGAAATTCTCACTTCCTGATTTTAGATTTTT-3'
Protein context (NP_001018123.1, residues 755-775): LIDNMAFTLE[Lys765Glu]ELVTLSSLSS